The following is an entry in ClinVar:

ClinVar aggregate classification (germline): Uncertain significance. Review status: criteria provided, multiple submitters, no conflicts (2 of 4 stars). 2 submissions from 2 submitters: Uncertain significance (2). Last evaluated 2023-08-23.

Conditions:
Cardiovascular phenotype. Identifiers: MedGen CN230736.

Submissions (2):

GeneDx
Classification: Uncertain significance. Last evaluated: 2023-08-23. Review status: criteria provided, single submitter. Criteria: GeneDx Variant Classification Process June 2021. Collection method: clinical testing. Allele origin: germline. Affected: yes.
Comment: Has not been previously published as pathogenic or benign to our knowledge; Not observed at significant frequency in large population cohorts (gnomAD); In silico analysis supports that this missense variant does not alter protein structure/function

Ambry Genetics
Classification: Uncertain significance for Cardiovascular phenotype. Last evaluated: 2013-07-31. Review status: criteria provided, single submitter. Criteria: Ambry Autosomal Dominant and X-Linked criteria (10/2015). Collection method: clinical testing. Allele origin: germline. Observed: 1 variant allele.
Comment: The p.K2612E variant (also known as c.7834A>G) is located in coding exon 38 of the ANK2 gene. This alteration results from a A to G substitution at nucleotide position 7834. The lysine at codon 2612 is replaced by glutamic acid, an amino acid with similar properties. This variant was not reported in population-based cohorts in the following databases: Database of Single Nucleotide Polymorphisms (dbSNP), the 1000 Genomes Project and the NHLBI Exome Sequencing Project (ESP). In the ESP, this variant was not observed in 6503 samples (13006 alleles) with coverage at this position. Based on protein sequence alignment, this amino acid position is not well conserved in available vertebrate species.In addition, this alteration is predicted to be benign and tolerated by PolyPhen and SIFT in silico analyses, respectively. Since supporting evidence is limited at this time, the clinical significance of this variant remains unclear.

NM_001148.6(ANK2):c.7834A>G (p.Lys2612Glu)

Genes: ANK2 (ankyrin 2; plus strand), LOC126807137 (CDK7 strongly-dependent group 2 enhancer GRCh37_chr4:114276560-114277759; plus strand). Cytogenetic location: 4q26.
Variant type: single nucleotide variant.
Coding change: c.7834A>G on transcript NM_001148.6 (MANE Select); coding-DNA position 7834, A replaced by G.
Protein change: p.Lys2612Glu; replaces lysine 2612 with glutamic acid.
Molecular consequence: missense variant. On other transcripts: intron variant (68).
Genome position (GRCh38, 1-based): chr4:113,356,452, A>G. VCF-style: chr4-113356452-A-G. GRCh37 (hg19) VCF-style: chr4-114277608-A-G.
Other names: c.7600A>G, p.Lys2534Glu (NM_001386142.1); c.4234A>G, p.Lys1412Glu (NM_001386166.1); c.7975A>G, p.Lys2659Glu (NM_001386174.1); c.7951A>G, p.Lys2651Glu (NM_001386175.1); c.4412-4371A>G (NM_001386186.2, NM_001386148.2); c.4214-4371A>G (NM_001354269.3); c.4292-4371A>G (NM_001386187.2); c.4253-4371A>G (NM_001386147.1); and 35 more; short protein forms K2612E, K1412E, K2534E, K2651E, K2659E.
Identifiers: ClinVar variation 263654 (VCV000263654.4), dbSNP rs886038874, ClinGen allele CA10587586.